The following is an entry in ClinVar:

NM_052845.4(MMAB):c.190_191del (p.Asp64fs)

Gene: MMAB (metabolism of cobalamin associated B; minus strand). Cytogenetic location: 12q24.11.
Variant type: Microsatellite.
Coding change: c.190_191del on transcript NM_052845.4 (MANE Select); coding-DNA positions 190 to 191, 2 bases deleted (GA; older notation c.190_191delGA).
Protein change: p.Asp64fs; shifts the reading frame from aspartic acid 64.
Molecular consequence: frameshift variant. On other transcripts: non-coding transcript variant (1).
Genome position (GRCh38, 1-based): chr12:109,571,654-109,571,655, TC deleted on the plus strand (GA on the coding strand, the reverse complement: MMAB is on the minus strand); deleting any 2 consecutive bases within chr12:109,571,654-109,571,657 gives the same sequence; the c. name uses the placement nearest the transcript's 3' end. VCF-style (leftmost placement, unchanged base first): chr12-109571653-GTC-G. GRCh37 (hg19) VCF-style: chr12-110009458-GTC-G.
Other names: short protein forms D64fs.
Identifiers: ClinVar variation 5003852 (VCV005003852.1).

ClinVar aggregate classification (germline): Pathogenic (1 of 4 stars; one submission).

Conditions:
Methylmalonic aciduria, cblB type (MACB). Also called: Vitamin B12-responsive methylmalonic acidemia type cblB; METHYLMALONIC ACIDURIA, VITAMIN B12-RESPONSIVE, DUE TO DEFECT IN SYNTHESIS OF ADENOSYLCOBALAMIN, cblB TYPE; Methylmalonic acidemia cblB type. Identifiers: Orphanet 28, Orphanet 79311, MedGen C1855102, MONDO:0009614, OMIM 251110.

Submission:

Myriad Genetics, Inc.
Classification: Pathogenic for Methylmalonic aciduria, cblB type. Last evaluated: 2025-09-08. Review status: criteria provided, single submitter. Criteria: Myriad Autosomal Dominant, Autosomal Recessive and X-Linked Classification Criteria (2023). Collection method: clinical testing. Allele origin: unknown.
Comment: NM_052845.3(MMAB):c.190_191delGA(D64Qfs*5) is a frameshift variant classified as pathogenic in the context of methylmalonic acidemia, cblB type. D64Qfs*5 has not been observed in cases with relevant disease. Relevant functional assessments of this variant are not available in the literature. D64Qfs*5 has not been observed in referenced population frequency databases. In summary, NM_052845.3(MMAB):c.190_191delGA(D64Qfs*5) is a frameshift variant in a gene where loss of function is a known mechanism of disease and is predicted to disrupt protein function. Please note: this variant was assessed in the context of healthy population screening.